The following is an entry in ClinVar:

NM_033159.4(HYAL1):c.1138C>T (p.Leu380Phe)

Gene: HYAL1 (hyaluronidase 1; minus strand). Cytogenetic location: 3p21.31.
Variant type: single nucleotide variant.
Coding change: c.1138C>T on transcript NM_033159.4 (MANE Select); coding-DNA position 1138, C replaced by T.
Protein change: p.Leu380Phe; replaces leucine 380 with phenylalanine.
Molecular consequence: missense variant. On other transcripts: non-coding transcript variant (1).
Genome position (GRCh38, 1-based): chr3:50,300,653, G>A on the plus strand (C>T on the coding strand, the complement: HYAL1 is on the minus strand). VCF-style: chr3-50300653-G-A. GRCh37 (hg19) VCF-style: chr3-50338084-G-A.
Other names: c.1138C>T, p.Leu380Phe (NM_153281.2); c.1048C>T, p.Leu350Phe (NM_153282.3); c.592C>T, p.Leu198Phe (NM_153283.3); c.361C>T, p.Leu121Phe (NM_153285.3); short protein forms L121F, L198F, L350F, L380F.
Identifiers: ClinVar variation 1007713 (VCV001007713.2), dbSNP rs782055404, ClinGen allele CA352888918.
Genomic context (GRCh38, chr3:50,300,653, plus strand): 5'-GGCTCAGGGGCCCACCACCAGGCGTGAGCTGGATGGAGAAACTGGCAGGGTTAAGGAGGA[G>A]GAGGGCTTTGGGGTGGCTGGTGCGGCGGACACAGCGGCCATGGCCGGAGCACAGGGCTTG-3'
Protein context (NP_149349.2, residues 370-390): VRRTSHPKAL[Leu380Phe]LLNPASFSIQ

ClinVar aggregate classification (germline): Uncertain significance (1 of 4 stars; one submission).

Conditions:
Deficiency of hyaluronoglucosaminidase (MPS9). Also called: Mucopolysaccharidosis type 9; HYALURONIDASE DEFICIENCY; MPS IX. Identifiers: Orphanet 67041, MedGen C1291490, MONDO:0011093, OMIM 601492.

gnomAD v4.1: 1 of 1,614,060 alleles (0.000062%); highest among the groups gnomAD compares: Non-Finnish European, 0.000085%; no homozygotes.

Submission:

Labcorp Genetics (formerly Invitae), Labcorp
Classification: Uncertain significance for Deficiency of hyaluronoglucosaminidase. Last evaluated: 2021-08-31. Review status: criteria provided, single submitter. Criteria: Invitae Variant Classification Sherloc (09022015). Collection method: clinical testing. Allele origin: germline.
Comment: This sequence change replaces leucine with phenylalanine at codon 380 of the HYAL1 protein (p.Leu380Phe). The leucine residue is moderately conserved and there is a small physicochemical difference between leucine and phenylalanine. This variant is not present in population databases (ExAC no frequency). This variant has not been reported in the literature in individuals affected with HYAL1-related conditions. Algorithms developed to predict the effect of missense changes on protein structure and function output the following: SIFT: "Tolerated"; PolyPhen-2: "Possibly Damaging"; Align-GVGD: "Class C0". The phenylalanine amino acid residue is found in multiple mammalian species, which suggests that this missense change does not adversely affect protein function. In summary, the available evidence is currently insufficient to determine the role of this variant in disease. Therefore, it has been classified as a Variant of Uncertain Significance.